The following is an entry in ClinVar:

ClinVar aggregate classification (germline): Uncertain significance (1 of 4 stars; one submission).

Allele frequency attached by ClinVar (database versions not stated): 1000 Genomes Project 30x 0.00031.
gnomAD v4.1: 3 of 1,614,158 alleles (0.00019%); highest among the groups gnomAD compares: Non-Finnish European, 0.00025%; no homozygotes.

Submission:

Ambry Genetics
Classification: Uncertain significance. Last evaluated: 2022-12-23. Review status: criteria provided, single submitter. Criteria: Ambry Variant Classification Scheme 2023. Collection method: clinical testing. Allele origin: germline.
Comment: The p.S40W variant (also known as c.119C>G), located in coding exon 2 of the NQO1 gene, results from a C to G substitution at nucleotide position 119. The serine at codon 40 is replaced by tryptophan, an amino acid with highly dissimilar properties. This amino acid position is conserved. In addition, this alteration is predicted to be deleterious by in silico analysis. Since supporting evidence is limited at this time, the clinical significance of this alteration remains unclear.

NM_000903.3(NQO1):c.119C>G (p.Ser40Trp)

Gene: NQO1 (NAD(P)H quinone dehydrogenase 1; minus strand). Cytogenetic location: 16q22.1.
Variant type: single nucleotide variant.
Coding change: c.119C>G on transcript NM_000903.3 (MANE Select); coding-DNA position 119, C replaced by G.
Protein change: p.Ser40Trp; replaces serine 40 with tryptophan.
Molecular consequence: missense variant.
Genome position (GRCh38, 1-based): chr16:69,718,423, G>C on the plus strand (C>G on the coding strand, the complement: NQO1 is on the minus strand). VCF-style: chr16-69718423-G-C. GRCh37 (hg19) VCF-style: chr16-69752326-G-C.
Other names: c.119C>G, p.Ser40Trp (NM_001025433.2, NM_001025434.2, NM_001286137.2); short protein forms S40W.
Identifiers: ClinVar variation 2457852 (VCV002457852.2), dbSNP rs200972816, ClinGen allele CA396491563.
Genomic context (GRCh38, chr16:69,718,423, plus strand): 5'-CTCCTACCTGTGATGTCCTTTCTGGAAATGATGGGATTGAAGTTCATGGCATAGAGGTCC[G>C]ACTCCACCACCTCCCATCCTTTCTTCTTCAAAGCCGCTGCAGCAGCCTCCTTCATGGCAT-3'
Protein context (NP_000894.1, residues 30-50): LKKKGWEVVE[Ser40Trp]DLYAMNFNPI